The following is an entry in ClinVar:

ClinVar aggregate classification (germline): Uncertain significance (1 of 4 stars; one submission).

Allele frequency attached by ClinVar (database versions not stated): gnomAD exomes below 0.00001 and 0.00001; ExAC 0.00001; gnomAD 0.00001; TOPMed 0.00001.
gnomAD v4.1: 2 of 1,614,002 alleles (0.00012%); highest among the groups gnomAD compares: African/African-American, 0.0027%; no homozygotes.

Submission:

Labcorp Genetics (formerly Invitae), Labcorp
Classification: Uncertain significance. Last evaluated: 2022-11-22. Review status: criteria provided, single submitter. Criteria: Invitae Variant Classification Sherloc (09022015). Collection method: clinical testing. Allele origin: germline.
Comment: This sequence change replaces glutamic acid, which is acidic and polar, with valine, which is neutral and non-polar, at codon 228 of the PCARE protein (p.Glu228Val). In summary, the available evidence is currently insufficient to determine the role of this variant in disease. Therefore, it has been classified as a Variant of Uncertain Significance. Algorithms developed to predict the effect of missense changes on protein structure and function (SIFT, PolyPhen-2, Align-GVGD) all suggest that this variant is likely to be disruptive. ClinVar contains an entry for this variant (Variation ID: 861632). This variant has not been reported in the literature in individuals affected with PCARE-related conditions. This variant is present in population databases (rs777561961, gnomAD 0.01%).

NM_001029883.3(PCARE):c.683A>T (p.Glu228Val)

Gene: PCARE (photoreceptor cilium actin regulator; minus strand). Cytogenetic location: 2p23.2.
Variant type: single nucleotide variant.
Coding change: c.683A>T on transcript NM_001029883.3 (MANE Select); coding-DNA position 683, A replaced by T.
Protein change: p.Glu228Val; replaces glutamic acid 228 with valine.
Molecular consequence: missense variant.
Genome position (GRCh38, 1-based): chr2:29,073,579, T>A on the plus strand (A>T on the coding strand, the complement: PCARE is on the minus strand). VCF-style: chr2-29073579-T-A. GRCh37 (hg19) VCF-style: chr2-29296445-T-A.
Other names: short protein forms E228V.
Identifiers: ClinVar variation 861632 (VCV000861632.11), dbSNP rs777561961, ClinGen allele CA1592603.